The following is an entry in ClinVar:

ClinVar aggregate classification (germline): Uncertain significance (1 of 4 stars; one submission).

Submission:

Labcorp Genetics (formerly Invitae), Labcorp
Classification: Uncertain significance. Last evaluated: 2022-01-26. Review status: criteria provided, single submitter. Criteria: Invitae Variant Classification Sherloc (09022015). Collection method: clinical testing. Allele origin: germline.
Comment: This sequence change replaces cysteine, which is neutral and slightly polar, with tyrosine, which is neutral and polar, at codon 136 of the GPR143 protein (p.Cys136Tyr). This variant is not present in population databases (gnomAD no frequency). This variant has not been reported in the literature in individuals affected with GPR143-related conditions. Algorithms developed to predict the effect of missense changes on protein structure and function are either unavailable or do not agree on the potential impact of this missense change (SIFT: "Tolerated"; PolyPhen-2: "Probably Damaging"; Align-GVGD: "Class C0"). In summary, the available evidence is currently insufficient to determine the role of this variant in disease. Therefore, it has been classified as a Variant of Uncertain Significance.

NM_000273.3(GPR143):c.407G>A (p.Cys136Tyr)

Gene: GPR143 (G protein-coupled receptor 143; minus strand). Cytogenetic location: Xp22.2.
Variant type: single nucleotide variant.
Coding change: c.407G>A on transcript NM_000273.3 (MANE Select); coding-DNA position 407, G replaced by A.
Protein change: p.Cys136Tyr; replaces cysteine 136 with tyrosine.
Molecular consequence: missense variant.
Genome position (GRCh38, 1-based): chrX:9,759,380, C>T on the plus strand (G>A on the coding strand, the complement: GPR143 is on the minus strand). VCF-style: chrX-9759380-C-T. GRCh37 (hg19) VCF-style: chrX-9727420-C-T.
Other names: short protein forms C136Y.
Identifiers: ClinVar variation 2087024 (VCV002087024.4), dbSNP rs2518637111, ClinGen allele CA411998902.